The following is an entry in ClinVar:

NM_005477.3(HCN4):c.2678C>T (p.Pro893Leu)

Gene: HCN4 (hyperpolarization activated cyclic nucleotide gated potassium channel 4; minus strand). Cytogenetic location: 15q24.1.
Variant type: single nucleotide variant.
Coding change: c.2678C>T on transcript NM_005477.3 (MANE Select); coding-DNA position 2678, C replaced by T.
Protein change: p.Pro893Leu; replaces proline 893 with leucine.
Molecular consequence: missense variant.
Genome position (GRCh38, 1-based): chr15:73,323,415, G>A on the plus strand (C>T on the coding strand, the complement: HCN4 is on the minus strand). VCF-style: chr15-73323415-G-A. GRCh37 (hg19) VCF-style: chr15-73615756-G-A.
Other names: short protein forms P893L.
Identifiers: ClinVar variation 1794625 (VCV001794625.2), dbSNP rs1334139790, ClinGen allele CA393088432.

ClinVar aggregate classification (germline): Uncertain significance (1 of 4 stars; one submission).

Conditions:
Cardiovascular phenotype. Identifiers: MedGen CN230736.

Allele frequency attached by ClinVar (database versions not stated): TOPMed below 0.00001; gnomAD 0.00001.
gnomAD v4.1: 1 of 1,603,694 alleles (0.000062%); highest among the groups gnomAD compares: Non-Finnish European, 0.000085%; no homozygotes.

Submission:

Ambry Genetics
Classification: Uncertain significance for Cardiovascular phenotype. Last evaluated: 2021-10-29. Review status: criteria provided, single submitter. Criteria: Ambry Variant Classification Scheme 2023. Collection method: clinical testing. Allele origin: germline.
Comment: The p.P893L variant (also known as c.2678C>T), located in coding exon 8 of the HCN4 gene, results from a C to T substitution at nucleotide position 2678. The proline at codon 893 is replaced by leucine, an amino acid with similar properties. This amino acid position is conserved. In addition, this alteration is predicted to be tolerated by in silico analysis. Since supporting evidence is limited at this time, the clinical significance of this alteration remains unclear.